The following is an entry in ClinVar:

ClinVar aggregate classification (germline): Conflicting classifications of pathogenicity. Review status: criteria provided, conflicting classifications (1 of 4 stars). 6 submissions from 6 submitters: Uncertain significance (4); Likely benign (1). 1 of the submissions does not count toward it. Last evaluated 2026-10-09.

Conditions:
ABCA3-related disorder. Also called: ABCA3-related condition.
Hereditary pulmonary alveolar proteinosis. Also called: Pulmonary surfactant metabolism dysfunction. Identifiers: Orphanet 264675, MedGen C3711368, MONDO:0012580.
Interstitial lung disease due to ABCA3 deficiency. Also called: PULMONARY ALVEOLAR PROTEINOSIS, CONGENITAL, 3. Identifiers: Orphanet 440402, MedGen C1970456, MONDO:0012582, OMIM 610921.

Allele frequency attached by ClinVar (database versions not stated): ExAC 0.00030; 1000 Genomes Project 30x 0.00047; gnomAD 0.00074 and 0.00080; 1000 Genomes Project 0.00060; TOPMed 0.00093; gnomAD exomes 0.00026 and 0.00006; ESP Exome Variant Server 0.00162.
gnomAD v4.1: 210 of 1,613,234 alleles (0.013%); highest among the groups gnomAD compares: African/African-American, 0.23%; 1 homozygote.

Submissions (6):

GeneDx
Classification: Uncertain significance. Last evaluated: 2026-10-09. Review status: criteria provided, single submitter. Criteria: GeneDx Variant Classification Process June 2021. Collection method: clinical testing. Allele origin: germline.
Comment: In silico analysis supports that this missense variant has a deleterious effect on protein structure/function; Has not been previously published as a pathogenic variant in association with ABCA3-related disorders to our knowledge; This variant is associated with the following publications: (PMID: 23166334)

Labcorp Genetics (formerly Invitae), Labcorp
Classification: Likely benign. Last evaluated: 2026-01-25. Review status: criteria provided, single submitter. Criteria: Invitae Variant Classification Sherloc (09022015). Collection method: clinical testing. Allele origin: germline.

Ambry Genetics
Classification: Uncertain significance for Hereditary pulmonary alveolar proteinosis. Last evaluated: 2026-01-15. Review status: criteria provided, single submitter. Criteria: Ambry Variant Classification Scheme 2023. Collection method: clinical testing. Allele origin: germline.
Comment: The p.G739A variant (also known as c.2216G>C), located in coding exon 14 of the ABCA3 gene, results from a G to C substitution at nucleotide position 2216. The glycine at codon 739 is replaced by alanine, an amino acid with similar properties. This amino acid position is highly conserved in available vertebrate species. In addition, this alteration is predicted to be deleterious by in silico analysis. Based on the available evidence, the clinical significance of this variant remains unclear.

Johns Hopkins Genomics, Johns Hopkins University
Classification: Uncertain significance for Interstitial lung disease due to ABCA3 deficiency. Last evaluated: 2025-06-11. Review status: criteria provided, single submitter. Criteria: ACMG Guidelines, 2015. Collection method: clinical testing. Allele origin: germline.
Comment: This ABCA3 missense variant (rs150175668) is rare (<0.1%) in a large population dataset (gnomADv4.1.0: 210/1613234 total alleles; 0.013%; one homozygote) and has been reported in ClinVar (Variation ID: 884983). It has been reported as a single variant in multiple preterm individuals with severe chronic lung disease, although its association with the pulmonary phenotype in these individuals is uncertain. It has not been reported in individuals with a definitive diagnosis of pulmonary surfactant metabolism dysfunction to our knowledge. Three bioinformatic tools queried predict that this substitution would be damaging and the glycine residue at this position is evolutionarily conserved across all species assessed. We consider the clinical significance of ABCA3 c.2216G>C to be uncertain at this time.

Illumina Laboratory Services, Illumina
Classification: Uncertain significance for Interstitial lung disease due to ABCA3 deficiency. Last evaluated: 2017-04-27. Review status: criteria provided, single submitter. Criteria: ICSL Variant Classification Criteria 13 December 2019. Collection method: clinical testing. Allele origin: germline.

PreventionGenetics, part of Exact Sciences
Classification: Likely benign for ABCA3-related condition. Last evaluated: 2022-04-28. Review status: no assertion criteria provided. Collection method: clinical testing. Allele origin: germline. Not counted in ClinVar's aggregate classification.
Comment: This variant is classified as likely benign based on ACMG/AMP sequence variant interpretation guidelines (Richards et al. 2015 PMID: 25741868, with internal and published modifications).

Literature cited by the submitters: PubMed 23166334 (cited by Johns Hopkins Genomics, Johns Hopkins University).

NM_001089.3(ABCA3):c.2216G>C (p.Gly739Ala)

Gene: ABCA3 (ATP binding cassette subfamily A member 3; minus strand). Cytogenetic location: 16p13.3.
Variant type: single nucleotide variant.
Coding change: c.2216G>C on transcript NM_001089.3 (MANE Select); coding-DNA position 2216, G replaced by C.
Protein change: p.Gly739Ala; replaces glycine 739 with alanine.
Molecular consequence: missense variant.
Genome position (GRCh38, 1-based): chr16:2,297,376, C>G on the plus strand (G>C on the coding strand, the complement: ABCA3 is on the minus strand). VCF-style: chr16-2297376-C-G. GRCh37 (hg19) VCF-style: chr16-2347377-C-G.
Other names: short protein forms G739A.
Identifiers: ClinVar variation 884983 (VCV000884983.19), dbSNP rs150175668, ClinGen allele CA7840926.